The following is an entry in ClinVar:

ClinVar aggregate classification (germline): Pathogenic (0 of 4 stars; one submission).

Conditions:
Fanconi anemia complementation group G. Also called: FANCG-Related Fanconi Anemia; Fanconi anemia group G. Identifiers: Orphanet 84, MedGen C3469527, MONDO:0013565, OMIM 614082.

Submission:

Leiden Open Variation Database
Classification: Pathogenic for Fanconi anemia complementation group G. Last evaluated: 2020-02-28. Review status: no assertion criteria provided. Collection method: curation. Allele origin: germline. Affected: yes.
Comment: Curator: Arleen D. Auerbach. Submitter to LOVD: Arleen D. Auerbach.

Literature cited by the submitters: PubMed 11093276; PubMed 12552564.

NM_004629.2(FANCG):c.1649del (p.Thr550fs)

Gene: FANCG (FA complementation group G; minus strand). Cytogenetic location: 9p13.3.
Variant type: Deletion.
Coding change: c.1649del on transcript NM_004629.2 (MANE Select); coding-DNA position 1649, one base deleted (C; older notation c.1649delC).
Protein change: p.Thr550fs; shifts the reading frame from threonine 550.
Molecular consequence: frameshift variant.
Genome position (GRCh38, 1-based): chr9:35,074,482, G deleted on the plus strand (C on the coding strand, the reverse complement: FANCG is on the minus strand). VCF-style (leftmost placement, unchanged base first): chr9-35074481-AG-A. GRCh37 (hg19) VCF-style: chr9-35074478-AG-A.
Other names: short protein forms T550fs.
Identifiers: ClinVar variation 929704 (VCV000929704.1), dbSNP rs1829042768, ClinGen allele CA1139660948.